The following is an entry in ClinVar:

NM_139321.3(ATRN):c.3482T>A (p.Ile1161Asn)

Gene: ATRN (attractin; plus strand). Cytogenetic location: 20p13.
Variant type: single nucleotide variant.
Coding change: c.3482T>A on transcript NM_139321.3 (MANE Select); coding-DNA position 3482, T replaced by A.
Protein change: p.Ile1161Asn; replaces isoleucine 1161 with asparagine.
Molecular consequence: missense variant.
Genome position (GRCh38, 1-based): chr20:3,597,918, T>A. VCF-style: chr20-3597918-T-A. GRCh37 (hg19) VCF-style: chr20-3578565-T-A.
Other names: c.3134T>A, p.Ile1045Asn (NM_001207047.3); c.3482T>A, p.Ile1161Asn (NM_001323332.2, NM_139322.4); short protein forms I1045N, I1161N.
Identifiers: ClinVar variation 1391562 (VCV001391562.6), dbSNP rs766004127, ClinGen allele CA408101410.

ClinVar aggregate classification (germline): Uncertain significance (1 of 4 stars; one submission).

Submission:

Labcorp Genetics (formerly Invitae), Labcorp
Classification: Uncertain significance. Last evaluated: 2022-03-18. Review status: criteria provided, single submitter. Criteria: Invitae Variant Classification Sherloc (09022015). Collection method: clinical testing. Allele origin: germline.
Comment: This sequence change replaces isoleucine, which is neutral and non-polar, with asparagine, which is neutral and polar, at codon 1161 of the ATRN protein (p.Ile1161Asn). In summary, the available evidence is currently insufficient to determine the role of this variant in disease. Therefore, it has been classified as a Variant of Uncertain Significance. Algorithms developed to predict the effect of missense changes on protein structure and function (SIFT, PolyPhen-2, Align-GVGD) all suggest that this variant is likely to be disruptive. This variant has not been reported in the literature in individuals affected with ATRN-related conditions. This variant is not present in population databases (gnomAD no frequency).